The following is an entry in ClinVar:

NM_006080.3(SEMA3A):c.1457C>T (p.Pro486Leu)

Gene: SEMA3A (semaphorin 3A; minus strand). Cytogenetic location: 7q21.11.
Variant type: single nucleotide variant.
Coding change: c.1457C>T on transcript NM_006080.3 (MANE Select); coding-DNA position 1457, C replaced by T.
Protein change: p.Pro486Leu; replaces proline 486 with leucine.
Molecular consequence: missense variant.
Genome position (GRCh38, 1-based): chr7:83,985,473, G>A on the plus strand (C>T on the coding strand, the complement: SEMA3A is on the minus strand). VCF-style: chr7-83985473-G-A. GRCh37 (hg19) VCF-style: chr7-83614789-G-A.
Other names: short protein forms P486L.
Identifiers: ClinVar variation 1179884 (VCV001179884.3), dbSNP rs746014457, ClinGen allele CA4322712.
Genomic context (GRCh38, chr7:83,985,473, plus strand): 5'-ATGGTAATACATAATGATAGTACCTGCTTAGTGGAAAGCTCCATTGCTGAAATAGCAGTC[G>A]GTTCCTAAAGGAGAAAAAGAAATATGTGAGGTGTTTGGTCAATTAGAACAGCCAGCTATT-3'
Protein context (NP_006071.1, residues 476-496): LLEEMTVFRE[Pro486Leu]TAISAMELST

ClinVar aggregate classification (germline): Uncertain significance. Review status: criteria provided, multiple submitters, no conflicts (2 of 4 stars). 2 submissions from 2 submitters: Uncertain significance (2). Last evaluated 2026-07-21.

Conditions:
SEMA3A-related disorder. Also called: SEMA3A-related condition.

Allele frequency attached by ClinVar (database versions not stated): TOPMed 0.00003.
gnomAD v4.1: 63 of 1,607,336 alleles (0.0039%); highest among the groups gnomAD compares: South Asian, 0.034%; 1 homozygote.

Submissions (2):

PreventionGenetics, part of Exact Sciences
Classification: Uncertain significance for SEMA3A-related condition. Last evaluated: 2026-07-21. Review status: criteria provided, single submitter. Criteria: ACMG Guidelines, 2015. Collection method: clinical testing. Allele origin: germline.
Comment: The SEMA3A c.1457C>T variant is predicted to result in the amino acid substitution p.Pro486Leu. This variant has been reported in an individual with Kallman syndrome (Supplementary Figure 6, Stamou et al. 2019. PubMed ID: 30921766). Of note, this variant was also detected in two unaffected family members. This variant is reported in 0.033% of alleles in individuals of South Asian descent in gnomAD. At this time, the clinical significance of this variant is uncertain due to the absence of conclusive functional and genetic evidence.

GeneDx
Classification: Uncertain significance. Last evaluated: 2019-04-29. Review status: criteria provided, single submitter. Criteria: GeneDx Variant Classification Process June 2021. Collection method: clinical testing. Allele origin: germline. Affected: yes.
Comment: Identified and classified as a variant of uncertain significance in a patient in published literature with Kallmann syndrome who also harbored a variant in the SPRY4 gene (Stamou et al., 2019); In silico analysis, which includes protein predictors and evolutionary conservation, supports a deleterious effect; This variant is associated with the following publications: (PMID: 30921766)